The following is an entry in ClinVar:

NM_002471.4(MYH6):c.5286G>A (p.Thr1762=)

Gene: MYH6 (myosin heavy chain 6; minus strand). Cytogenetic location: 14q11.2.
Variant type: single nucleotide variant.
Coding change: c.5286G>A on transcript NM_002471.4 (MANE Select); coding-DNA position 5286, G replaced by A.
Protein change: p.Thr1762=; no amino-acid change (threonine 1762 retained).
Molecular consequence: synonymous variant.
Genome position (GRCh38, 1-based): chr14:23,384,919, C>T on the plus strand (G>A on the coding strand, the complement: MYH6 is on the minus strand). VCF-style: chr14-23384919-C-T. GRCh37 (hg19) VCF-style: chr14-23854128-C-T.
Identifiers: ClinVar variation 1802218 (VCV001802218.7), dbSNP rs770933834, ClinGen allele CA7114496.

ClinVar aggregate classification (germline): Conflicting classifications of pathogenicity. Review status: criteria provided, conflicting classifications (1 of 4 stars). 3 submissions from 3 submitters: Uncertain significance (1); Likely benign (2). Last evaluated 2026-06-18.

Conditions:
Cardiovascular phenotype. Identifiers: MedGen CN230736.
Hypertrophic cardiomyopathy 14. Identifiers: MedGen C2750467, MONDO:0013197, OMIM 613251.
Dilated cardiomyopathy 1EE (CMD1EE). Identifiers: Orphanet 154, MedGen C2750466, MONDO:0013198, OMIM 613252.

Allele frequency attached by ClinVar (database versions not stated): TOPMed 0.00001; ExAC 0.00001; gnomAD 0.00001; gnomAD exomes below 0.00001.

Submissions (3):

Ambry Genetics
Classification: Likely benign for Cardiovascular phenotype. Last evaluated: 2026-06-18. Review status: criteria provided, single submitter. Criteria: Ambry Variant Classification Scheme 2023. Collection method: clinical testing. Allele origin: germline.

Labcorp Genetics (formerly Invitae), Labcorp
Classification: Likely benign for Hypertrophic cardiomyopathy 14. Last evaluated: 2023-06-02. Review status: criteria provided, single submitter. Criteria: Invitae Variant Classification Sherloc (09022015). Collection method: clinical testing. Allele origin: germline.

Diagnostics Services (NGS), CSIR - Centre For Cellular And Molecular Biology
Classification: Uncertain significance for Dilated cardiomyopathy 1EE. Last evaluated: 2022-08-10. Review status: criteria provided, single submitter. Criteria: ACMG Guidelines, 2015. Collection method: clinical testing. Allele origin: unknown. Affected: yes. Observed: 1 variant allele, 1 heterozygote.
Comment: This variant is not present in publicly available population databases like 1000 Genomes, EVS and Indian Exome Database. The heterozygous state of the variant is present in ExAC and gnomAD. The variant is not present in our in-house exome database. This variant has not been reported in the literature or any clinical databases like ClinVar, Human Genome Mutation Database (HGMD) and OMIM, in any affected individuals. In-silico pathogenicity prediction programs like MutationTaster2, CADD etc. predicted this variant to be likely deleterious. The variant is located near the exon-intron splice junction (splice-distance 4 bp) and predicted to affect splicing by activating a cryptic Acceptor site, however these predictions were not confirmed by any published functional/transcriptional studies.